The following is an entry in ClinVar:

ClinVar aggregate classification (germline): Uncertain significance (1 of 4 stars; one submission).

Allele frequency attached by ClinVar (database versions not stated): gnomAD 0.00001.
gnomAD v4.1: 1 of 1,608,372 alleles (0.000062%); highest among the groups gnomAD compares: Admixed American, 0.0017%; no homozygotes.

Submission:

Labcorp Genetics (formerly Invitae), Labcorp
Classification: Uncertain significance. Last evaluated: 2022-07-25. Review status: criteria provided, single submitter. Criteria: Invitae Variant Classification Sherloc (09022015). Collection method: clinical testing. Allele origin: germline.
Comment: In summary, the available evidence is currently insufficient to determine the role of this variant in disease. Therefore, it has been classified as a Variant of Uncertain Significance. Algorithms developed to predict the effect of missense changes on protein structure and function output the following: SIFT: "Deleterious"; PolyPhen-2: "Benign"; Align-GVGD: "Class C0". The isoleucine amino acid residue is found in multiple mammalian species, which suggests that this missense change does not adversely affect protein function. ClinVar contains an entry for this variant (Variation ID: 1383236). This sequence change replaces serine, which is neutral and polar, with isoleucine, which is neutral and non-polar, at codon 440 of the PLK4 protein (p.Ser440Ile). This variant is not present in population databases (gnomAD no frequency). This variant has not been reported in the literature in individuals affected with PLK4-related conditions.

NM_014264.5(PLK4):c.1319G>T (p.Ser440Ile)

Gene: PLK4 (polo like kinase 4; plus strand). Cytogenetic location: 4q28.1.
Variant type: single nucleotide variant.
Coding change: c.1319G>T on transcript NM_014264.5 (MANE Select); coding-DNA position 1319, G replaced by T.
Protein change: p.Ser440Ile; replaces serine 440 with isoleucine.
Molecular consequence: missense variant.
Genome position (GRCh38, 1-based): chr4:127,886,689, G>T. VCF-style: chr4-127886689-G-T. GRCh37 (hg19) VCF-style: chr4-128807844-G-T.
Other names: c.1223G>T, p.Ser408Ile (NM_001190799.2); c.1196G>T, p.Ser399Ile (NM_001190801.2); short protein forms S399I, S408I, S440I.
Identifiers: ClinVar variation 1383236 (VCV001383236.8), dbSNP rs1735148289, ClinGen allele CA358154311.